The following is an entry in ClinVar:

NM_001081.4(CUBN):c.7794C>A (p.Asn2598Lys)

Gene: CUBN (cubilin; minus strand). Cytogenetic location: 10p13.
Variant type: single nucleotide variant.
Coding change: c.7794C>A on transcript NM_001081.4 (MANE Select); coding-DNA position 7794, C replaced by A.
Protein change: p.Asn2598Lys; replaces asparagine 2598 with lysine.
Molecular consequence: missense variant.
Genome position (GRCh38, 1-based): chr10:16,906,321, G>T on the plus strand (C>A on the coding strand, the complement: CUBN is on the minus strand). VCF-style: chr10-16906321-G-T. GRCh37 (hg19) VCF-style: chr10-16948320-G-T.
Other names: short protein forms N2598K.
Identifiers: ClinVar variation 2420377 (VCV002420377.5), dbSNP rs1263145352, ClinGen allele CA376143388.

ClinVar aggregate classification (germline): Uncertain significance. Review status: criteria provided, multiple submitters, no conflicts (2 of 4 stars). 2 submissions from 2 submitters: Uncertain significance (2). Last evaluated 2025-08-28.

Conditions:
Inborn genetic diseases. Identifiers: MedGen C0950123, MeSH D030342.
Imerslund-Grasbeck syndrome. Also called: Imerslund-Gräsbeck syndrome; ENTEROCYTE COBALAMIN MALABSORPTION; ENTEROCYTE INTRINSIC FACTOR RECEPTOR, DEFECT OF; PERNICIOUS ANEMIA, JUVENILE, DUE TO SELECTIVE INTESTINAL MALABSORPTION OF VITAMIN B12, WITH PROTEINURIA; Megaloblastic anemia due to inborn errors of metabolism. Identifiers: Orphanet 35858, MedGen C4551825, MONDO:0009853.

Allele frequency attached by ClinVar (database versions not stated): gnomAD 0.00001.
gnomAD v4.1: 1 of 1,613,738 alleles (0.000062%); highest among the groups gnomAD compares: Admixed American, 0.0017%; no homozygotes.

Submissions (2):

Ambry Genetics
Classification: Uncertain significance for Inborn genetic diseases. Last evaluated: 2025-08-28. Review status: criteria provided, single submitter. Criteria: Ambry Variant Classification Scheme 2023. Collection method: clinical testing. Allele origin: germline.

Labcorp Genetics (formerly Invitae), Labcorp
Classification: Uncertain significance for Imerslund-Grasbeck syndrome. Last evaluated: 2022-03-19. Review status: criteria provided, single submitter. Criteria: Invitae Variant Classification Sherloc (09022015). Collection method: clinical testing. Allele origin: germline.
Comment: In summary, the available evidence is currently insufficient to determine the role of this variant in disease. Therefore, it has been classified as a Variant of Uncertain Significance. Algorithms developed to predict the effect of missense changes on protein structure and function are either unavailable or do not agree on the potential impact of this missense change (SIFT: "Tolerated"; PolyPhen-2: "Probably Damaging"; Align-GVGD: "Class C0"). This variant has not been reported in the literature in individuals affected with CUBN-related conditions. This variant is not present in population databases (gnomAD no frequency). This sequence change replaces asparagine, which is neutral and polar, with lysine, which is basic and polar, at codon 2598 of the CUBN protein (p.Asn2598Lys).